The following is an entry in ClinVar:

NM_000083.3(CLCN1):c.1439C>T (p.Pro480Leu)

Gene: CLCN1 (chloride voltage-gated channel 1; plus strand). Cytogenetic location: 7q34.
Variant type: single nucleotide variant.
Coding change: c.1439C>T on transcript NM_000083.3 (MANE Select); coding-DNA position 1439, C replaced by T.
Protein change: p.Pro480Leu; replaces proline 480 with leucine.
Molecular consequence: missense variant. On other transcripts: non-coding transcript variant (1).
Genome position (GRCh38, 1-based): chr7:143,339,290, C>T. VCF-style: chr7-143339290-C-T. GRCh37 (hg19) VCF-style: chr7-143036383-C-T.
Other names: short protein forms P480L.
Identifiers: ClinVar variation 17537 (VCV000017537.14), dbSNP rs80356694, ClinGen allele CA258018.
Genomic context (GRCh38, chr7:143,339,290, plus strand): 5'-TCCAACGCTTCTTTCTACTCCAGTTCTGGATGTCCATCGTGGCCACCACTATGCCCATAC[C>T]CTGCGGAGGCTTCATGCCTGTGTTTGTGCTAGGTAAGTTCTGATGGGAAGCCTGGGGTCT-3'
Protein context (NP_000074.3, residues 470-490): MSIVATTMPI[Pro480Leu]CGGFMPVFVL

ClinVar aggregate classification (germline): Pathogenic. Review status: criteria provided, single submitter (1 of 4 stars). 3 submissions from 3 submitters: Pathogenic (1). 2 of the submissions do not count toward it. Last evaluated 2019-07-06.

Conditions:
Congenital myotonia, autosomal dominant form (THD). Also called: Myotonia congenita autosomal dominant; THOMSEN DISEASE. Identifiers: Orphanet 614, MedGen C2936781, MONDO:0008055, OMIM 160800.
Congenital myotonia, autosomal recessive form. Also called: BECKER DISEASE; Becker Generalized Myotonia; myotonia congenita, autosomal recessive. Identifiers: Orphanet 614, MedGen C0751360, MONDO:0009715, OMIM 255700.
Batten-Turner congenital myopathy. Also called: Congenital myotonia; Myotonia congenita. Identifiers: Orphanet 206973, MedGen C0027127, MONDO:0100468, OMIM 255300.

Allele frequency attached by ClinVar (database versions not stated): gnomAD exomes below 0.00001.
gnomAD v4.1: 1 of 1,613,164 alleles (0.000062%); highest among the groups gnomAD compares: South Asian, 0.0011%; no homozygotes.

Submissions (3):

Labcorp Genetics (formerly Invitae), Labcorp
Classification: Pathogenic for Congenital myotonia, autosomal recessive form; Congenital myotonia, autosomal dominant form. Last evaluated: 2019-07-06. Review status: criteria provided, single submitter. Criteria: Invitae Variant Classification Sherloc (09022015). Collection method: clinical testing. Allele origin: germline.
Comment: This variant has been reported to affect CLCN1 protein function (PMID: 8112288, 8845168). For these reasons, this variant has been classified as Pathogenic. This variant has been observed in individuals affected with myotonia congenita and to segregate with disease in a family (PMID: 8112288, 18337730, Invitae). ClinVar contains an entry for this variant (Variation ID: 17537). This sequence change replaces proline with leucine at codon 480 of the CLCN1 protein (p.Pro480Leu). The proline residue is highly conserved and there is a moderate physicochemical difference between proline and leucine. This variant is not present in population databases (ExAC no frequency).

OMIM
Classification: Pathogenic for MYOTONIA CONGENITA, AUTOSOMAL DOMINANT. Last evaluated: 2003-04-01. Review status: no assertion criteria provided. Collection method: literature only. Allele origin: germline. Not counted in ClinVar's aggregate classification.

GeneReviews
No classification provided. Condition: Batten-Turner congenital myopathy. Review status: no classification provided. Collection method: literature only. Allele origin: unknown. Not counted in ClinVar's aggregate classification.

Literature cited by the submitters: PubMed 8112288 (cited by 3 submitters); PubMed 8845168 (cited by Labcorp Genetics (formerly Invitae), Labcorp and GeneReviews); PubMed 18337730 (cited by Labcorp Genetics (formerly Invitae), Labcorp); Thomsen, J. Tonische Kraempfe in willkuerlich beweglichen Muskeln in Folge von ererbter psychischer Disposition: Ataxia muscularis? Arch. Psychiat. Nervenkr. 6: 702-718, 1876. (cited by OMIM); Thomasen, E. Myotonia, Thomsen's disease. Paramyotonia, and dystrophia myotonica. Op. Ex Domo Biol. Hered. Hum. U. Hafniensis 17: 11-251, 1948. (cited by OMIM); Koch, M. C., Meyer-Kleine, C., Otto, M., Ricker, K., Lorenz, C., Steinmeyer, K., Jentsch, T. J. Mutations in the CLCN1 gene leading to myotonia congenita Thomsen and generalized myotonia Becker. (Abstract) Am. J. Hum. Genet. 55 (suppl.): A226, 1994. (cited by OMIM); PubMed 11933197 (cited by OMIM); PubMed 12661046 (cited by OMIM and GeneReviews); PubMed 20301529 (cited by GeneReviews); NCBI Bookshelf NBK1355 (cited by GeneReviews).